The following is an entry in ClinVar:

ClinVar aggregate classification (germline): Pathogenic. Review status: criteria provided, multiple submitters, no conflicts (2 of 4 stars). 3 submissions from 3 submitters: Pathogenic (3). Last evaluated 2025-12-28.

Conditions:
Mitochondrial DNA depletion syndrome 13. Also called: Mitochondrial DNA depletion syndrome 13 (encephalomyopathic type); FBXL4-Related Encephalomyopathic Mitochondrial DNA Depletion Syndrome. Identifiers: Orphanet 369897, MedGen C3809592, MONDO:0014198, OMIM 615471.

Submissions (3):

Labcorp Genetics (formerly Invitae), Labcorp
Classification: Pathogenic. Last evaluated: 2025-12-28. Review status: criteria provided, single submitter. Criteria: Invitae Variant Classification Sherloc (09022015). Collection method: clinical testing. Allele origin: germline.
Comment: This sequence change creates a premature translational stop signal (p.Asn48Metfs*4) in the FBXL4 gene. It is expected to result in an absent or disrupted protein product. Loss-of-function variants in FBXL4 are known to be pathogenic (PMID: 23993193, 23993194, 25868664). This variant is present in population databases (rs754225961, gnomAD 0.01%). This premature translational stop signal has been observed in individual(s) with FBXL4-related conditions (PMID: 34732400, 39472908). ClinVar contains an entry for this variant (Variation ID: 3594181). For these reasons, this variant has been classified as Pathogenic.

Fulgent Genetics
Classification: Pathogenic for Mitochondrial DNA depletion syndrome 13. Last evaluated: 2024-03-18. Review status: criteria provided, single submitter. Criteria: ACMG Guidelines, 2015. Collection method: clinical testing. Allele origin: germline.

Juno Genomics, Hangzhou Juno Genomics, Inc
Classification: Pathogenic for Mitochondrial DNA depletion syndrome 13. Review status: criteria provided, single submitter. Criteria: ACMG Guidelines, 2015. Collection method: clinical testing. Allele origin: germline.
Comment: Absent from controls (or at extremely low frequency if recessive) in Genome Aggregation Database.;Null variant in a gene where loss of function (LOF) is a known mechanism of disease.;For recessive disorders, detected in trans with a pathogenic variant.

Literature cited by the submitters: PubMed 23993193 (cited by Labcorp Genetics (formerly Invitae), Labcorp); PubMed 23993194 (cited by Labcorp Genetics (formerly Invitae), Labcorp); PubMed 25868664 (cited by Labcorp Genetics (formerly Invitae), Labcorp); PubMed 34732400 (cited by Labcorp Genetics (formerly Invitae), Labcorp); PubMed 39472908 (cited by Labcorp Genetics (formerly Invitae), Labcorp).

NM_001278716.2(FBXL4):c.141del (p.Asn48fs)

Gene: FBXL4 (F-box and leucine rich repeat protein 4; minus strand). Cytogenetic location: 6q16.2.
Variant type: Deletion.
Coding change: c.141del on transcript NM_001278716.2 (MANE Select); coding-DNA position 141, one base deleted (C; older notation c.141delC).
Protein change: p.Asn48fs; shifts the reading frame from asparagine 48.
Molecular consequence: frameshift variant. On other transcripts: non-coding transcript variant (2).
Genome position (GRCh38, 1-based): chr6:98,926,848, G deleted on the plus strand (C on the coding strand, the reverse complement: FBXL4 is on the minus strand). VCF-style (leftmost placement, unchanged base first): chr6-98926847-TG-T. GRCh37 (hg19) VCF-style: chr6-99374723-TG-T.
Other names: c.141del, p.Asn48fs (NM_012160.5); c.141del (NM_012160.4); short protein forms N48fs.
Identifiers: ClinVar variation 3594181 (VCV003594181.5).
Genomic context (GRCh38, chr6:98,926,847, plus strand): 5'-CACTTCCATAATGGGAACTGAAATCCACTACTTCTTTGGCATACTGGACTACCTCTGCAT[TG>T]AGAGGGGAAGTCTGGCTGTTTGATTCTATAGCTCTATGGGTGTTCATCATTTCTCCTCTT-3'